The following is an entry in ClinVar:

ClinVar aggregate classification (germline): Uncertain significance. Review status: criteria provided, multiple submitters, no conflicts (2 of 4 stars). 2 submissions from 2 submitters: Uncertain significance (2). Last evaluated 2023-10-25.

Conditions:
Inborn genetic diseases. Identifiers: MedGen C0950123, MeSH D030342.

Allele frequency attached by ClinVar (database versions not stated): ExAC 0.00001; gnomAD exomes 0.00001; TOPMed 0.00001; gnomAD 0.00002 and 0.00003.

Submissions (2):

Ambry Genetics
Classification: Uncertain significance for Inborn genetic diseases. Last evaluated: 2023-10-25. Review status: criteria provided, single submitter. Criteria: Ambry Variant Classification Scheme 2023. Collection method: clinical testing. Allele origin: germline.

GeneDx
Classification: Uncertain significance. Last evaluated: 2017-06-28. Review status: criteria provided, single submitter. Criteria: GeneDx Variant Classification (06012015). Collection method: clinical testing. Allele origin: germline. Affected: yes.
Comment: The A920S variant in the ADCY5 gene has not been reported previously as a pathogenic variant, nor as a benign variant, to our knowledge. The A920S variant is not observed in large population cohorts (Lek et al., 2016; 1000 Genomes Consortium et al., 2015; Exome Variant Server). The A920S variant is a non-conservative amino acid substitution, which is likely to impact secondary protein structure as these residues differ in polarity, charge, size and/or other properties. This substitution occurs at a position that is conserved across species. In silico analysis is inconsistent in its predictions as to whether or not the variant is damaging to the protein structure/function. We interpret A920S as a variant of uncertain significance.

NM_183357.3(ADCY5):c.2758G>T (p.Ala920Ser)

Gene: ADCY5 (adenylate cyclase 5; minus strand). Cytogenetic location: 3q21.1.
Variant type: single nucleotide variant.
Coding change: c.2758G>T on transcript NM_183357.3 (MANE Select); coding-DNA position 2758, G replaced by T.
Protein change: p.Ala920Ser; replaces alanine 920 with serine.
Molecular consequence: missense variant.
Genome position (GRCh38, 1-based): chr3:123,300,262, C>A on the plus strand (G>T on the coding strand, the complement: ADCY5 is on the minus strand). VCF-style: chr3-123300262-C-A. GRCh37 (hg19) VCF-style: chr3-123019109-C-A.
Other names: c.1708G>T, p.Ala570Ser (NM_001199642.1); c.2758G>T, p.Ala920Ser (NM_001378259.1); short protein forms A920S, A570S.
Identifiers: ClinVar variation 450184 (VCV000450184.3), dbSNP rs778094741, ClinGen allele CA2576993.